The following is an entry in ClinVar:

NM_002528.7(NTHL1):c.175G>A (p.Ala59Thr)

Gene: NTHL1 (nth like DNA glycosylase 1; minus strand). Cytogenetic location: 16p13.3.
Variant type: single nucleotide variant.
Coding change: c.175G>A on transcript NM_002528.7 (MANE Select); coding-DNA position 175, G replaced by A.
Protein change: p.Ala59Thr; replaces alanine 59 with threonine.
Molecular consequence: missense variant. On other transcripts: 5 prime UTR variant (1).
Genome position (GRCh38, 1-based): chr16:2,046,307, C>T on the plus strand (G>A on the coding strand, the complement: NTHL1 is on the minus strand). VCF-style: chr16-2046307-C-T. GRCh37 (hg19) VCF-style: chr16-2096308-C-T.
Other names: c.175G>A, p.Ala59Thr (NM_001318193.2); c.-4G>A (NM_001318194.2); short protein forms A59T.
Identifiers: ClinVar variation 3408212 (VCV003408212.1).
Genomic context (GRCh38, chr16:2,046,307, plus strand): 5'-AGACTGGCACCTTGAGGGGCTCAGCCCCCTCACCTTTCTCACTGTCCGAGCCCTCATAGG[C>T]CACACGCAGTCTCTGTGCTTTCCGCGGACGCTTCACGGGGCTGTGGCTTTTCCTCGCTTC-3'
Protein context (NP_002519.2, residues 49-69): RPRKAQRLRV[Ala59Thr]YEGSDSEKGE

ClinVar aggregate classification (germline): Uncertain significance (1 of 4 stars; one submission).

Conditions:
Hereditary cancer-predisposing syndrome. Also called: Neoplastic Syndromes, Hereditary; Tumor predisposition; Hereditary Cancer Syndrome; Hereditary neoplastic syndrome. Identifiers: Orphanet 140162, MedGen C0027672, MeSH D009386, MONDO:0015356.

Submission:

Ambry Genetics
Classification: Uncertain significance for Hereditary cancer-predisposing syndrome. Last evaluated: 2024-09-01. Review status: criteria provided, single submitter. Criteria: Ambry Variant Classification Scheme 2023. Collection method: clinical testing. Allele origin: germline.
Comment: The p.A67T variant (also known as c.199G>A), located in coding exon 2 of the NTHL1 gene, results from a G to A substitution at nucleotide position 199. The alanine at codon 67 is replaced by threonine, an amino acid with similar properties. This amino acid position is conserved. In addition, this alteration is predicted to be tolerated by in silico analysis. Based on the available evidence, the clinical significance of this variant remains unclear.